The following is an entry in ClinVar:

NM_006206.6(PDGFRA):c.2802C>A (p.Asn934Lys)

Gene: PDGFRA (platelet derived growth factor receptor alpha; plus strand). Cytogenetic location: 4q12.
Variant type: single nucleotide variant.
Coding change: c.2802C>A on transcript NM_006206.6 (MANE Select); coding-DNA position 2802, C replaced by A.
Protein change: p.Asn934Lys; replaces asparagine 934 with lysine.
Molecular consequence: missense variant.
Genome position (GRCh38, 1-based): chr4:54,289,036, C>A. VCF-style: chr4-54289036-C-A. GRCh37 (hg19) VCF-style: chr4-55155203-C-A.
Other names: c.2877C>A, p.Asn959Lys (NM_001347828.2); c.2802C>A, p.Asn934Lys (NM_001347829.2); c.2841C>A, p.Asn947Lys (NM_001347830.2); short protein forms N947K, N959K, N934K.
Identifiers: ClinVar variation 645972 (VCV000645972.9), dbSNP rs1577746460, ClinGen allele CA356895708.

ClinVar aggregate classification (germline): Uncertain significance (1 of 4 stars; one submission).

Conditions:
Gastrointestinal stromal tumor. Also called: Gastrointestinal stromal tumor, somatic; Gastrointestinal stroma tumor. Identifiers: Orphanet 44890, MedGen C0238198, MeSH D046152, MONDO:0011719, OMIM 606764, HP:0100723.

Submission:

Labcorp Genetics (formerly Invitae), Labcorp
Classification: Uncertain significance for Gastrointestinal stromal tumor. Last evaluated: 2023-12-02. Review status: criteria provided, single submitter. Criteria: Invitae Variant Classification Sherloc (09022015). Collection method: clinical testing. Allele origin: germline.
Comment: This sequence change replaces asparagine, which is neutral and polar, with lysine, which is basic and polar, at codon 934 of the PDGFRA protein (p.Asn934Lys). This variant is not present in population databases (gnomAD no frequency). This variant has not been reported in the literature in individuals affected with PDGFRA-related conditions. ClinVar contains an entry for this variant (Variation ID: 645972). Advanced modeling of protein sequence and biophysical properties (such as structural, functional, and spatial information, amino acid conservation, physicochemical variation, residue mobility, and thermodynamic stability) performed at Invitae indicates that this missense variant is not expected to disrupt PDGFRA protein function with a negative predictive value of 80%. In summary, the available evidence is currently insufficient to determine the role of this variant in disease. Therefore, it has been classified as a Variant of Uncertain Significance.